The following is an entry in ClinVar:

NM_021813.4(BACH2):c.613G>A (p.Ala205Thr)

Gene: BACH2 (BACH transcriptional regulator 2; minus strand). Cytogenetic location: 6q15.
Variant type: single nucleotide variant.
Coding change: c.613G>A on transcript NM_021813.4 (MANE Select); coding-DNA position 613, G replaced by A.
Protein change: p.Ala205Thr; replaces alanine 205 with threonine.
Molecular consequence: missense variant.
Genome position (GRCh38, 1-based): chr6:89,951,493, C>T on the plus strand (G>A on the coding strand, the complement: BACH2 is on the minus strand). VCF-style: chr6-89951493-C-T. GRCh37 (hg19) VCF-style: chr6-90661212-C-T.
Other names: c.613G>A, p.Ala205Thr (NM_001170794.2); short protein forms A205T.
Identifiers: ClinVar variation 1440086 (VCV001440086.8), dbSNP rs1774109525, ClinGen allele CA365072622.
Genomic context (GRCh38, chr6:89,951,493, plus strand): 5'-ACGCGTCCTTTTCTGAGCTCTCCTTGGTGTCTGTGGGCACGTCAGGCTCGGGCAGCAGGG[C>T]TTCTTCCTTCTCTGCTACGGGGATGGCGGCGGCCTCAAAGCTGATGGGCTCTGGAAGCAT-3'
Protein context (NP_068585.1, residues 195-215): AAIPVAEKEE[Ala205Thr]LLPEPDVPTD

ClinVar aggregate classification (germline): Uncertain significance. Review status: criteria provided, multiple submitters, no conflicts (2 of 4 stars). 2 submissions from 2 submitters: Uncertain significance (2). Last evaluated 2023-08-30.

Allele frequency attached by ClinVar (database versions not stated): gnomAD exomes below 0.00001; TOPMed below 0.00001.

Submissions (2):

Labcorp Genetics (formerly Invitae), Labcorp
Classification: Uncertain significance. Last evaluated: 2023-08-30. Review status: criteria provided, single submitter. Criteria: Invitae Variant Classification Sherloc (09022015). Collection method: clinical testing. Allele origin: germline.
Comment: This sequence change replaces alanine, which is neutral and non-polar, with threonine, which is neutral and polar, at codon 205 of the BACH2 protein (p.Ala205Thr). This variant is not present in population databases (gnomAD no frequency). In summary, the available evidence is currently insufficient to determine the role of this variant in disease. Therefore, it has been classified as a Variant of Uncertain Significance. Advanced modeling of protein sequence and biophysical properties (such as structural, functional, and spatial information, amino acid conservation, physicochemical variation, residue mobility, and thermodynamic stability) performed at Invitae indicates that this missense variant is not expected to disrupt BACH2 protein function. ClinVar contains an entry for this variant (Variation ID: 1440086). This variant has not been reported in the literature in individuals affected with BACH2-related conditions.

Blueprint Genetics
Classification: Uncertain significance. Last evaluated: 2023-07-05. Review status: criteria provided, single submitter. Criteria: ACMG Guidelines, 2015. Collection method: clinical testing. Allele origin: germline.